The following is an entry in ClinVar:

ClinVar aggregate classification (germline): Uncertain significance (1 of 4 stars; one submission).

Conditions:
Lethal multiple pterygium syndrome (LMPS). Identifiers: Orphanet 33108, MedGen C1854678, MONDO:0009668, OMIM 253290.

Allele frequency attached by ClinVar (database versions not stated): gnomAD exomes below 0.00001; ExAC 0.00001; gnomAD 0.00001.

Submission:

Labcorp Genetics (formerly Invitae), Labcorp
Classification: Uncertain significance for Lethal multiple pterygium syndrome. Last evaluated: 2023-05-23. Review status: criteria provided, single submitter. Criteria: Invitae Variant Classification Sherloc (09022015). Collection method: clinical testing. Allele origin: germline.
Comment: This variant is present in population databases (rs774726175, gnomAD 0.007%). This sequence change replaces valine, which is neutral and non-polar, with leucine, which is neutral and non-polar, at codon 375 of the CHRND protein (p.Val375Leu). This variant has not been reported in the literature in individuals affected with CHRND-related conditions. Advanced modeling of protein sequence and biophysical properties (such as structural, functional, and spatial information, amino acid conservation, physicochemical variation, residue mobility, and thermodynamic stability) performed at Invitae indicates that this missense variant is not expected to disrupt CHRND protein function. In summary, the available evidence is currently insufficient to determine the role of this variant in disease. Therefore, it has been classified as a Variant of Uncertain Significance.

NM_000751.3(CHRND):c.1123G>T (p.Val375Leu)

Gene: CHRND (cholinergic receptor nicotinic delta subunit; plus strand). Cytogenetic location: 2q37.1.
Variant type: single nucleotide variant.
Coding change: c.1123G>T on transcript NM_000751.3 (MANE Select); coding-DNA position 1123, G replaced by T.
Protein change: p.Val375Leu; replaces valine 375 with leucine.
Molecular consequence: missense variant.
Genome position (GRCh38, 1-based): chr2:232,534,006, G>T. VCF-style: chr2-232534006-G-T. GRCh37 (hg19) VCF-style: chr2-233398716-G-T.
Other names: c.1078G>T, p.Val360Leu (NM_001256657.2); c.541G>T, p.Val181Leu (NM_001311195.2); c.820G>T, p.Val274Leu (NM_001311196.2); short protein forms V360L, V375L, V181L, V274L.
Identifiers: ClinVar variation 2873829 (VCV002873829.3), dbSNP rs774726175, ClinGen allele CA2168269.